The following is an entry in ClinVar:

ClinVar aggregate classification (germline): Likely pathogenic (1 of 4 stars; one submission).

Conditions:
Holoprosencephaly 12 with or without pancreatic agenesis. Identifiers: MedGen C5193131, MONDO:0032787, OMIM 618500.
Vissers-Bodmer syndrome. Identifiers: MedGen C5436647, MONDO:0033618, OMIM 619033.

Submission:

Diagnostics Services (NGS), CSIR - Centre For Cellular And Molecular Biology
Classification: Likely pathogenic for Holoprosencephaly 12 with or without pancreatic agenesis; Vissers-Bodmer syndrome. Last evaluated: 2025-02-07. Review status: criteria provided, single submitter. Criteria: ACMG Guidelines, 2015. Collection method: clinical testing. Allele origin: unknown. Observed: 1 variant allele, 1 heterozygote.
Comment: The c.3202-2dup variant is not present in publicly available population databases like 1000 Genomes, EVS, gnomAD, Indian Exome Database or our internal database. This variant has neither been published in literature in individuals affected with CNOT1-related conditions nor reported to the clinical databases like ClinVar, Human Genome Mutation Database (HGMD) or OMIM, in any affected individuals. Algorithms developed to predict the effect of sequence changes on RNA splicing suggest that this variant may disrupt the consensus splice site. In-silico pathogenicity prediction programs like HSF3.1, MutationTaster2, CADD, Franklin, etc predicted this variant to be likely deleterious however these predictions were not confirmed by published functional/translational studies.

NM_016284.5(CNOT1):c.3202-2dup

Gene: CNOT1 (CCR4-NOT transcription complex subunit 1; minus strand). Cytogenetic location: 16q21.
Variant type: Duplication.
Coding change: c.3202-2dup on transcript NM_016284.5 (MANE Select); the canonical splice acceptor site of the intron before coding-DNA position 3202, one base duplicated (A; older notation c.3202-2dupA).
Molecular consequence: splice acceptor variant.
Genome position (GRCh38, 1-based): chr16:58,551,274, T duplicated on the plus strand (A on the coding strand, the reverse complement: CNOT1 is on the minus strand). VCF-style (leftmost placement, unchanged base first): chr16-58551273-C-CT. GRCh37 (hg19) VCF-style: chr16-58585177-C-CT.
Other names: c.3187-2dup (NM_001265612.2); c.3202-2dup (NM_206999.3).
Identifiers: ClinVar variation 3767970 (VCV003767970.1).
Genomic context (GRCh38, chr16:58,551,273, plus strand): 5'-TCTCTCAGTTTGATCTGTGGCCACAAGCAACGTATCTATATTTGTAGTATTAATAGAAGG[C>CT]TAAAAAAAAAAAATAAAGTACATAAGGCAAATAAGTTGAAATGCTTCCCTGAAAAAAATC-3'